The following is an entry in ClinVar:

ClinVar aggregate classification (germline): Likely benign (0 of 4 stars; one submission).

Conditions:
NEFL-related disorder. Also called: NEFL-related condition.

Submission:

PreventionGenetics, part of Exact Sciences
Classification: Likely benign for NEFL-related condition. Last evaluated: 2020-06-12. Review status: no assertion criteria provided. Collection method: clinical testing. Allele origin: germline.
Comment: This variant is classified as likely benign based on ACMG/AMP sequence variant interpretation guidelines (Richards et al. 2015 PMID: 25741868, with internal and published modifications).

NM_006158.5(NEFL):c.282C>T (p.Leu94=)

Gene: NEFL (neurofilament light chain; minus strand). Cytogenetic location: 8p21.2.
Variant type: single nucleotide variant.
Coding change: c.282C>T on transcript NM_006158.5 (MANE Select); coding-DNA position 282, C replaced by T.
Protein change: p.Leu94=; no amino-acid change (leucine 94 retained).
Molecular consequence: synonymous variant.
Genome position (GRCh38, 1-based): chr8:24,956,234, G>A on the plus strand (C>T on the coding strand, the complement: NEFL is on the minus strand). VCF-style: chr8-24956234-G-A. GRCh37 (hg19) VCF-style: chr8-24813748-G-A.
Identifiers: ClinVar variation 3036763 (VCV003036763.2), dbSNP rs188213183, ClinGen allele CA460183518.